The following is an entry in ClinVar:

NM_018834.6(MATR3):c.2155A>G (p.Lys719Glu)

Gene: MATR3 (matrin 3; plus strand). Cytogenetic location: 5q31.2.
Variant type: single nucleotide variant.
Coding change: c.2155A>G on transcript NM_018834.6 (MANE Select); coding-DNA position 2155, A replaced by G.
Protein change: p.Lys719Glu; replaces lysine 719 with glutamic acid.
Molecular consequence: missense variant.
Genome position (GRCh38, 1-based): chr5:139,325,446, A>G. VCF-style: chr5-139325446-A-G. GRCh37 (hg19) VCF-style: chr5-138661135-A-G.
Other names: c.2155A>G (NM_199189.2); c.2155A>G, p.Lys719Glu (NM_001194954.2, NM_001194955.2, NM_199189.3); c.1291A>G, p.Lys431Glu (NM_001194956.2); c.1141A>G, p.Lys381Glu (NM_001282278.2); short protein forms K431E, K381E, K719E.
Identifiers: ClinVar variation 1525141 (VCV001525141.11), dbSNP rs759928245, ClinGen allele CA3433375.
Genomic context (GRCh38, chr5:139,325,446, plus strand): 5'-GGCATGGCATTTAAATCTGGTGACAAAAATGATGATGGTTTGGTTGAAATTAAGGTGGAC[A>G]AGATCGAGGAACTTGATCAAGAAAACGAAGCAGCGTTGGAAAATGGAATTAAAAATGAGG-3'
Protein context (NP_061322.2, residues 709-729): AAKKKLKKVD[Lys719Glu]IEELDQENEA

ClinVar aggregate classification (germline): Uncertain significance. Review status: criteria provided, multiple submitters, no conflicts (2 of 4 stars). 3 submissions from 3 submitters: Uncertain significance (3). Last evaluated 2025-08-18.

Conditions:
MATR3-related disorder. Also called: MATR3-related condition.
Amyotrophic lateral sclerosis type 21. Also called: MYOPATHY, DISTAL, 2; VOCAL CORD AND PHARYNGEAL DYSFUNCTION WITH DISTAL MYOPATHY. Identifiers: Orphanet 600, Orphanet 803, MedGen C3807521, MONDO:0011632, OMIM 606070.
Inborn genetic diseases. Identifiers: MedGen C0950123, MeSH D030342.

Allele frequency attached by ClinVar (database versions not stated): gnomAD 0.00001 and 0.00002; gnomAD exomes 0.00001; TOPMed 0.00001; ExAC 0.00003.
gnomAD v4.1: 11 of 1,614,220 alleles (0.00068%); highest among the groups gnomAD compares: East Asian, 0.022%; no homozygotes.

Submissions (3):

PreventionGenetics, part of Exact Sciences
Classification: Uncertain significance for MATR3-related condition. Last evaluated: 2025-08-18. Review status: criteria provided, single submitter. Criteria: ACMG Guidelines, 2015. Collection method: clinical testing. Allele origin: germline.
Comment: The MATR3 c.2155A>G variant is predicted to result in the amino acid substitution p.Lys719Glu. To our knowledge, this variant has not been reported in the literature. This variant is reported in 0.020% of alleles in individuals of East Asian descent in gnomAD. At this time, the clinical significance of this variant is uncertain due to the absence of conclusive functional and genetic evidence.

Ambry Genetics
Classification: Uncertain significance for Inborn genetic diseases. Last evaluated: 2024-10-04. Review status: criteria provided, single submitter. Criteria: Ambry Variant Classification Scheme 2023. Collection method: clinical testing. Allele origin: germline.

Labcorp Genetics (formerly Invitae), Labcorp
Classification: Uncertain significance for Amyotrophic lateral sclerosis type 21. Last evaluated: 2024-03-01. Review status: criteria provided, single submitter. Criteria: Invitae Variant Classification Sherloc (09022015). Collection method: clinical testing. Allele origin: germline.
Comment: This sequence change replaces lysine, which is basic and polar, with glutamic acid, which is acidic and polar, at codon 719 of the MATR3 protein (p.Lys719Glu). This variant is present in population databases (rs759928245, gnomAD 0.02%). This variant has not been reported in the literature in individuals affected with MATR3-related conditions. ClinVar contains an entry for this variant (Variation ID: 1525141). Advanced modeling of protein sequence and biophysical properties (such as structural, functional, and spatial information, amino acid conservation, physicochemical variation, residue mobility, and thermodynamic stability) performed at Invitae indicates that this missense variant is not expected to disrupt MATR3 protein function with a negative predictive value of 80%. In summary, the available evidence is currently insufficient to determine the role of this variant in disease. Therefore, it has been classified as a Variant of Uncertain Significance.